The following is an entry in ClinVar:

NM_205836.3(FBXO38):c.785G>A (p.Arg262Gln)

Gene: FBXO38 (F-box protein 38; plus strand). Cytogenetic location: 5q32.
Variant type: single nucleotide variant.
Coding change: c.785G>A on transcript NM_205836.3 (MANE Select); coding-DNA position 785, G replaced by A.
Protein change: p.Arg262Gln; replaces arginine 262 with glutamine.
Molecular consequence: missense variant.
Genome position (GRCh38, 1-based): chr5:148,406,311, G>A. VCF-style: chr5-148406311-G-A. GRCh37 (hg19) VCF-style: chr5-147785874-G-A.
Other names: c.785G>A, p.Arg262Gln (NM_001271723.2, NM_030793.5); short protein forms R262Q.
Identifiers: ClinVar variation 1055339 (VCV001055339.10), dbSNP rs1255912171, ClinGen allele CA361656375.

ClinVar aggregate classification (germline): Uncertain significance (1 of 4 stars; one submission).

Conditions:
Distal hereditary motor neuropathy type 2. Identifiers: Orphanet 139525, MedGen C3711384, MeSH C580044, MONDO:0015352.

Allele frequency attached by ClinVar (database versions not stated): gnomAD exomes below 0.00001 and 0.00001; gnomAD 0.00003 and 0.00004; 1000 Genomes Project 30x 0.00031.
gnomAD v4.1: 11 of 1,609,268 alleles (0.00068%); highest among the groups gnomAD compares: African/African-American, 0.008%; no homozygotes.

Submission:

Labcorp Genetics (formerly Invitae), Labcorp
Classification: Uncertain significance for Distal hereditary motor neuropathy type 2. Last evaluated: 2023-02-24. Review status: criteria provided, single submitter. Criteria: Invitae Variant Classification Sherloc (09022015). Collection method: clinical testing. Allele origin: germline.
Comment: This variant is present in population databases (no rsID available, gnomAD 0.008%). This sequence change replaces arginine, which is basic and polar, with glutamine, which is neutral and polar, at codon 262 of the FBXO38 protein (p.Arg262Gln). This variant has not been reported in the literature in individuals affected with FBXO38-related conditions. ClinVar contains an entry for this variant (Variation ID: 1055339). Advanced modeling of protein sequence and biophysical properties (such as structural, functional, and spatial information, amino acid conservation, physicochemical variation, residue mobility, and thermodynamic stability) performed at Invitae indicates that this missense variant is not expected to disrupt FBXO38 protein function. In summary, the available evidence is currently insufficient to determine the role of this variant in disease. Therefore, it has been classified as a Variant of Uncertain Significance.